The following is an entry in ClinVar:

NM_002641.4(PIGA):c.1131_1139del (p.His378_Ile380del)

Gene: PIGA (phosphatidylinositol glycan anchor biosynthesis class A; minus strand). Cytogenetic location: Xp22.2.
Variant type: Deletion.
Coding change: c.1131_1139del on transcript NM_002641.4 (MANE Select); coding-DNA positions 1131 to 1139, 9 bases deleted (CCATAACAT; older notation c.1131_1139delCCATAACAT).
Protein change: p.His378_Ile380del.
Molecular consequence: inframe deletion. On other transcripts: non-coding transcript variant (2).
Genome position (GRCh38, 1-based): chrX:15,324,714-15,324,722, ATGTTATGG deleted on the plus strand (CCATAACAT on the coding strand, the reverse complement: PIGA is on the minus strand); deleting any 9 consecutive bases within chrX:15,324,714-15,324,727 gives the same sequence; the c. name uses the placement nearest the transcript's 3' end. VCF-style (leftmost placement, unchanged base first): chrX-15324713-TATGTTATGG-T. GRCh37 (hg19) VCF-style: chrX-15342835-TATGTTATGG-T.
Other names: c.429_437del, p.His144_Ile146del (NM_020473.3).
Identifiers: ClinVar variation 945388 (VCV000945388.10), dbSNP rs1921919751, ClinGen allele CA1139667252.

ClinVar aggregate classification (germline): Uncertain significance (1 of 4 stars; one submission).

Conditions:
Multiple congenital anomalies-hypotonia-seizures syndrome 2 (MCAHS2). Also called: EPILEPTIC ENCEPHALOPATHY, EARLY INFANTILE, 20; GLYCOSYLPHOSPHATIDYLINOSITOL BIOSYNTHESIS DEFECT 4. Identifiers: Orphanet 300496, MedGen C3275508, MONDO:0010466, OMIM 300868.

Submission:

Labcorp Genetics (formerly Invitae), Labcorp
Classification: Uncertain significance for Multiple congenital anomalies-hypotonia-seizures syndrome 2. Last evaluated: 2019-05-20. Review status: criteria provided, single submitter. Criteria: Invitae Variant Classification Sherloc (09022015). Collection method: clinical testing. Allele origin: germline.
Comment: In summary, the available evidence is currently insufficient to determine the role of this variant in disease. Therefore, it has been classified as a Variant of Uncertain Significance. Experimental studies and prediction algorithms are not available or were not evaluated for this variant, and the functional significance of the affected amino acid(s) is currently unknown. This variant has not been reported in the literature in individuals with PIGA-related conditions. This variant is not present in population databases (ExAC no frequency). This variant, c.1131_1139del, results in the deletion of 3 amino acids of the PIGA protein (p.His378_Ile380del) but otherwise preserves the integrity of the reading frame.